The following is an entry in ClinVar:

ClinVar aggregate classification (germline): Benign. Review status: criteria provided, multiple submitters, no conflicts (2 of 4 stars). 4 submissions from 4 submitters: Benign (4). Last evaluated 2026-02-02.

Conditions:
Fraser syndrome 1 (FRASRS1). Also called: CRYPTOPHTHALMOS WITH OTHER MALFORMATIONS. Identifiers: Orphanet 2052, MedGen C4551480, MONDO:0054737, OMIM 219000.

Allele frequency attached by ClinVar (database versions not stated): gnomAD exomes 0.00249 and 0.00654; ExAC 0.00804; gnomAD 0.02570 and 0.02763; ESP Exome Variant Server 0.02849; TOPMed 0.02953; 1000 Genomes Project 0.02995; 1000 Genomes Project 30x 0.03139.

Submissions (4):

Labcorp Genetics (formerly Invitae), Labcorp
Classification: Benign. Last evaluated: 2026-02-02. Review status: criteria provided, single submitter. Criteria: Invitae Variant Classification Sherloc (09022015). Collection method: clinical testing. Allele origin: germline.

Mayo Clinic Laboratories, Mayo Clinic
Classification: Benign. Last evaluated: 2023-04-10. Review status: criteria provided, single submitter. Criteria: ACMG Guidelines, 2015. Collection method: clinical testing. Allele origin: germline. Observed: 2 variant alleles.

Illumina Laboratory Services, Illumina
Classification: Benign for Fraser syndrome 1. Last evaluated: 2018-01-12. Review status: criteria provided, single submitter. Criteria: ICSL Variant Classification Criteria 13 December 2019. Collection method: clinical testing. Allele origin: germline.
Comment: This variant was observed in the ICSL laboratory as part of a predisposition screen in an ostensibly healthy population. It had not been previously curated by ICSL or reported in the Human Gene Mutation Database (HGMD: prior to June 1st, 2018), and was therefore a candidate for classification through an automated scoring system. Utilizing variant allele frequency, disease prevalence and penetrance estimates, and inheritance mode, an automated score was calculated to assess if this variant is too frequent to cause the disease. Based on the score and internal cut-off values, a variant classified as benign is not then subjected to further curation. The score for this variant resulted in a classification of benign for this disease.

Breakthrough Genomics
Classification: Benign. Review status: criteria provided, single submitter. Criteria: ACMG Guidelines, 2015. Collection method: not provided. Allele origin: germline. Inheritance: Autosomal recessive inheritance. Affected: yes.

NM_025074.7(FRAS1):c.625C>T (p.Pro209Ser)

Gene: FRAS1 (Fraser extracellular matrix complex subunit 1; plus strand). Cytogenetic location: 4q21.21.
Variant type: single nucleotide variant.
Coding change: c.625C>T on transcript NM_025074.7 (MANE Select); coding-DNA position 625, C replaced by T.
Protein change: p.Pro209Ser; replaces proline 209 with serine.
Molecular consequence: missense variant.
Genome position (GRCh38, 1-based): chr4:78,265,046, C>T. VCF-style: chr4-78265046-C-T. GRCh37 (hg19) VCF-style: chr4-79186200-C-T.
Other names: p.Pro209Ser; c.625C>T, p.Pro209Ser (NM_001166133.2); short protein forms P209S.
Identifiers: ClinVar variation 349663 (VCV000349663.16), dbSNP rs7699637, ClinGen allele CA2976028.